The following is an entry in ClinVar:

GRCh37/hg19 2p16.3(chr2:50847100-50847341)x3

Gene: NRXN1 (neurexin 1; minus strand). Cytogenetic location: 2p16.3.
Variant type: copy number gain.
Change: copy number 3 (three copies instead of two) of chr2:50,847,100-50,847,341 (0.2 kb, GRCh37 coordinates, 1-based), cytogenetic band 2p16.3.
Identifiers: ClinVar variation 394423 (VCV000394423.3).

ClinVar aggregate classification (germline): Benign/Likely benign (0 of 4 stars; one submission).

Submission:

ISCA Site 6
Classification: Benign/Likely benign. Review status: no assertion criteria provided. Collection method: clinical testing. Allele origin: unknown. Affected: yes. Observed: 2 variant alleles.
Comment: Likely benign (1), Benign (1)

Copy number variation identified through the course of routine clinical cytogenomic testing in postnatal populations, with clinical assertions as classified by the original submitter. For data from the original published study, Kaminsky, et al. 2011 (PubMed 21844811), please see nstd101.